The following is an entry in ClinVar:

NM_152703.5(SAMD9L):c.2804_2805del (p.Ser935fs)

Gene: SAMD9L (sterile alpha motif domain containing 9 like; minus strand). Cytogenetic location: 7q21.2.
Variant type: Microsatellite.
Coding change: c.2804_2805del on transcript NM_152703.5 (MANE Select); coding-DNA positions 2804 to 2805, 2 bases deleted (CT; older notation c.2804_2805delCT).
Protein change: p.Ser935fs; shifts the reading frame from serine 935.
Molecular consequence: frameshift variant.
Genome position (GRCh38, 1-based): chr7:93,133,167-93,133,168, AG deleted on the plus strand (CT on the coding strand, the reverse complement: SAMD9L is on the minus strand); deleting any 2 consecutive bases within chr7:93,133,167-93,133,170 gives the same sequence; the c. name uses the placement nearest the transcript's 3' end. VCF-style (leftmost placement, unchanged base first): chr7-93133166-TAG-T. GRCh37 (hg19) VCF-style: chr7-92762479-TAG-T.
Other names: c.2804_2805del, p.Ser935fs (NM_001303500.3, NM_001350082.2, NM_001350083.2 and 5 more transcripts); short protein forms S935fs.
Identifiers: ClinVar variation 2770772 (VCV002770772.3), dbSNP rs2535417314, ClinGen allele CA2697557412.
Genomic context (GRCh38, chr7:93,133,166, plus strand): 5'-CCCAGGGTGTACTAGTGTATATGATTCCCAAAAATATTTCACACTGTGAAACTGAAATTG[TAG>T]AGTCAGTAACATAAGAGCTGAGTAAAGCCAGGAAGGAAATGAGTTGTGCTTCCTTGCTGT-3'

ClinVar aggregate classification (germline): Uncertain significance (1 of 4 stars; one submission).

Submission:

Labcorp Genetics (formerly Invitae), Labcorp
Classification: Uncertain significance. Last evaluated: 2023-11-20. Review status: criteria provided, single submitter. Criteria: Invitae Variant Classification Sherloc (09022015). Collection method: clinical testing. Allele origin: germline.
Comment: This sequence change creates a premature translational stop signal (p.Ser935Tyrfs*8) in the SAMD9L gene. While this is not anticipated to result in nonsense mediated decay, it is expected to disrupt the last 650 amino acid(s) of the SAMD9L protein. This variant is not present in population databases (gnomAD no frequency). This variant has not been reported in the literature in individuals affected with SAMD9L-related conditions. Experimental studies and prediction algorithms are not available or were not evaluated, and the functional significance of this variant is currently unknown. In summary, the available evidence is currently insufficient to determine the role of this variant in disease. Therefore, it has been classified as a Variant of Uncertain Significance.